The following is an entry in ClinVar:

ClinVar aggregate classification (germline): Benign. Review status: criteria provided, multiple submitters, no conflicts (2 of 4 stars). 3 submissions from 3 submitters: Benign (3). Last evaluated 2026-01-26.

Allele frequency attached by ClinVar (database versions not stated): gnomAD exomes 0.00449 and 0.01165; ExAC 0.01363; gnomAD 0.03654 and 0.03888; ESP Exome Variant Server 0.04015; TOPMed 0.04110; 1000 Genomes Project 0.04553; 1000 Genomes Project 30x 0.04997.
gnomAD v4.1: 12,398 of 1,614,118 alleles (0.77%); highest among the groups gnomAD compares: African/African-American, 12%; 627 homozygotes.

Submissions (3):

Labcorp Genetics (formerly Invitae), Labcorp
Classification: Benign. Last evaluated: 2026-01-26. Review status: criteria provided, single submitter. Criteria: Invitae Variant Classification Sherloc (09022015). Collection method: clinical testing. Allele origin: germline.

GeneDx
Classification: Benign. Last evaluated: 2016-03-09. Review status: criteria provided, single submitter. Criteria: GeneDx Variant Classification (06012015). Collection method: clinical testing. Allele origin: germline. Affected: yes.
Comment: This variant is considered likely benign or benign based on one or more of the following criteria: it is a conservative change, it occurs at a poorly conserved position in the protein, it is predicted to be benign by multiple in silico algorithms, and/or has population frequency not consistent with disease.

Breakthrough Genomics
Classification: Benign. Review status: criteria provided, single submitter. Criteria: ACMG Guidelines, 2015. Collection method: not provided. Allele origin: germline. Inheritance: Autosomal recessive inheritance. Affected: yes.

NM_152713.5(STT3A):c.1617A>G (p.Thr539=)

Gene: STT3A (STT3 oligosaccharyltransferase complex catalytic subunit A; plus strand). Cytogenetic location: 11q24.2.
Variant type: single nucleotide variant.
Coding change: c.1617A>G on transcript NM_152713.5 (MANE Select); coding-DNA position 1617, A replaced by G.
Protein change: p.Thr539=; no amino-acid change (threonine 539 retained).
Molecular consequence: synonymous variant.
Genome position (GRCh38, 1-based): chr11:125,614,149, A>G. VCF-style: chr11-125614149-A-G. GRCh37 (hg19) VCF-style: chr11-125484044-A-G.
Other names: c.1617A>G, p.Thr539= (NM_001278503.2); c.1341A>G, p.Thr447= (NM_001278504.2).
Identifiers: ClinVar variation 381443 (VCV000381443.11), dbSNP rs12276729, ClinGen allele CA6349106.